The following is an entry in ClinVar:

ClinVar aggregate classification (germline): Likely pathogenic (1 of 4 stars; one submission).

Conditions:
Arthrogryposis multiplex congenita 1, neurogenic, with myelin defect. Also called: Arthrogryposis multiplex congenita, neurogenic, with myelin defect. Identifiers: MedGen C4479539, MONDO:0060486, OMIM 617468.

Submission:

3billion
Classification: Likely pathogenic for Arthrogryposis multiplex congenita 1, neurogenic, with myelin defect. Last evaluated: 2023-02-23. Review status: criteria provided, single submitter. Criteria: ACMG Guidelines, 2015. Collection method: clinical testing. Allele origin: unknown. Affected: yes.
Comment: The variant is not observed in the gnomAD v2.1.1 dataset. This variant was predicted to result in a loss or disruption of normal protein function through nonsense-mediated decay (NMD) or protein truncation. Multiple pathogenic variants are reported downstream of the variant. Therefore, this variant is classified as Likely pathogenic according to the recommendation of ACMG/AMP guideline.

NM_139284.3(LGI4):c.774_778dup (p.Glu260fs)

Gene: LGI4 (leucine rich repeat LGI family member 4; minus strand). Cytogenetic location: 19q13.12.
Variant type: Duplication.
Coding change: c.774_778dup on transcript NM_139284.3 (MANE Select); coding-DNA positions 774 to 778, 5 bases duplicated (GCCCG; older notation c.774_778dupGCCCG).
Protein change: p.Glu260fs; shifts the reading frame from glutamic acid 260.
Molecular consequence: frameshift variant.
Genome position (GRCh38, 1-based): chr19:35,126,868-35,126,872, CGGGC duplicated on the plus strand (GCCCG on the coding strand, the reverse complement: LGI4 is on the minus strand); duplicating any 5 consecutive bases within chr19:35,126,868-35,126,875 gives the same sequence; the c. name uses the placement nearest the transcript's 3' end. VCF-style (leftmost placement, unchanged base first): chr19-35126867-T-TCGGGC. GRCh37 (hg19) VCF-style: chr19-35617771-T-TCGGGC.
Other names: short protein forms E260fs.
Identifiers: ClinVar variation 2444227 (VCV002444227.1), dbSNP rs2513320717, ClinGen allele CA2580096805.